The following is an entry in ClinVar:

ClinVar aggregate classification (germline): Pathogenic/Likely pathogenic. Review status: criteria provided, multiple submitters, no conflicts (2 of 4 stars). 5 submissions from 5 submitters: Pathogenic (2); Likely pathogenic (3). Last evaluated 2021-04-18.

Conditions:
Hereditary breast ovarian cancer syndrome. Also called: Breast and ovarian cancer; Hereditary breast and ovarian cancer; Hereditary breast and ovarian cancer syndrome; Hereditary breast and/or ovarian cancer syndrome; BRCA1- and BRCA2-Associated Hereditary Breast and Ovarian Cancer; Hereditary breast and ovarian cancer syndrome (HBOC). Identifiers: Orphanet 145, MedGen C0677776, MeSH D061325, MONDO:0003582. Disease mechanism: loss of function.
Breast-ovarian cancer, familial, susceptibility to, 1 (BROVCA1). Also called: BRCA1 Hereditary Breast and Ovarian Cancer; OVARIAN CANCER, SUSCEPTIBILITY TO. Identifiers: Orphanet 145, MedGen C2676676, MONDO:0011450, OMIM 604370. Disease mechanism: loss of function.
Breast neoplasm. Also called: Breast Neoplasms; Neoplasm of the breast; Neoplasm of breast; Breast tumor. Identifiers: MedGen C1458155, MeSH D001943, MONDO:0021100, HP:0100013. Disease mechanism: gain of function.

Submissions (6):

Labcorp Genetics (formerly Invitae), Labcorp
Classification: Pathogenic for Hereditary breast ovarian cancer syndrome. Last evaluated: 2021-04-18. Review status: criteria provided, single submitter. Criteria: Invitae Variant Classification Sherloc (09022015). Collection method: clinical testing. Allele origin: germline.
Comment: For these reasons, this variant has been classified as Pathogenic. This variant disrupts the p.Cys64 amino acid residue in BRCA1. Other variant(s) that disrupt this residue have been determined to be pathogenic (PMID: 15131401, 22034289, 23397983, 18489799, 19949876, 25085752, 19287957, 24516540, 23867111, 23161852, 12915465, 23161852, 23867111, 7894491, 21042765). This suggests that this residue is clinically-significant, and that variants that disrupt this residue are likely to be disease-causing. This variant affects the highly conserved Cys64 residue within the N-terminal RING domain of the BRCA1 protein (PMID: 22843421). This variant has been reported to affect BRCA1 protein function (PMID: 30209399). This variant has been observed in an individual affected with breast cancer (PMID: 27257965), and in a family with breast cancer (PMID: 29446198). ClinVar contains an entry for this variant (Variation ID: 224427). This variant is not present in population databases (ExAC no frequency). This sequence change replaces cysteine with tryptophan at codon 64 of the BRCA1 protein (p.Cys64Trp). The cysteine residue is highly conserved and there is a large physicochemical difference between cysteine and tryptophan.

Mendelics
Classification: Likely pathogenic for Breast-ovarian cancer, familial, susceptibility to, 1. Last evaluated: 2019-05-28. Review status: criteria provided, single submitter. Criteria: Mendelics Assertion Criteria 2017. Collection method: clinical testing. Allele origin: unknown.

Laboratory of Molecular Diagnosis of Cancer, West China Hospital, Sichuan University
Classification: Likely pathogenic for Breast neoplasm. Last evaluated: 2015-11-01. Review status: criteria provided, single submitter. Criteria: ACMG Guidelines, 2015. Collection method: research. Allele origin: germline. Affected: yes. Observed: 1 variant allele.

Consortium of Investigators of Modifiers of BRCA1/2 (CIMBA), c/o University of Cambridge
Classification: Pathogenic for Breast-ovarian cancer, familial, susceptibility to, 1. Last evaluated: 2015-10-02. Review status: criteria provided, single submitter. Criteria: CIMBA Mutation Classification guidelines May 2016. Collection method: clinical testing. Allele origin: germline.

Genesis Genomics
Classification: Likely pathogenic for Breast-ovarian cancer, familial, susceptibility to, 1. Review status: criteria provided, single submitter. Criteria: ACMG Guidelines, 2015. Collection method: clinical testing. Allele origin: germline. Affected: no. Observed: 1 variant allele.

Brotman Baty Institute, University of Washington
No classification provided (evidence only). Condition: Breast-ovarian cancer, familial 1. Review status: no classification provided. Collection method: in vitro. Allele origin: not applicable. Functional consequence: functionally_abnormal. Not counted in ClinVar's aggregate classification.
ClinVar note: "not provided" was previously submitted as the classification for the variant. However, the classification appeared to be based only on an observation of functional data so it was converted to no classification on 2025-07-30.

Literature cited by the submitters: PubMed 15131401 (cited by Labcorp Genetics (formerly Invitae), Labcorp); PubMed 22034289 (cited by Labcorp Genetics (formerly Invitae), Labcorp); PubMed 23397983 (cited by Labcorp Genetics (formerly Invitae), Labcorp); PubMed 18489799 (cited by Labcorp Genetics (formerly Invitae), Labcorp); PubMed 19949876 (cited by Labcorp Genetics (formerly Invitae), Labcorp); PubMed 25085752 (cited by Labcorp Genetics (formerly Invitae), Labcorp); PubMed 19287957 (cited by Labcorp Genetics (formerly Invitae), Labcorp); PubMed 24516540 (cited by Labcorp Genetics (formerly Invitae), Labcorp); PubMed 23867111 (cited by Labcorp Genetics (formerly Invitae), Labcorp); PubMed 23161852 (cited by Labcorp Genetics (formerly Invitae), Labcorp); PubMed 12915465 (cited by Labcorp Genetics (formerly Invitae), Labcorp); PubMed 7894491 (cited by Labcorp Genetics (formerly Invitae), Labcorp); PubMed 21042765 (cited by Labcorp Genetics (formerly Invitae), Labcorp); PubMed 22843421 (cited by Labcorp Genetics (formerly Invitae), Labcorp); PubMed 30209399 (cited by Labcorp Genetics (formerly Invitae), Labcorp); PubMed 27257965 (cited by Labcorp Genetics (formerly Invitae), Labcorp and Laboratory of Molecular Diagnosis of Cancer, West China Hospital, Sichuan University); PubMed 29446198 (cited by Labcorp Genetics (formerly Invitae), Labcorp).

NM_007294.4(BRCA1):c.192T>G (p.Cys64Trp)

Gene: BRCA1 (BRCA1 DNA repair associated; minus strand). Cytogenetic location: 17q21.31.
Variant type: single nucleotide variant.
Coding change: c.192T>G on transcript NM_007294.4 (MANE Select); coding-DNA position 192, T replaced by G.
Protein change: p.Cys64Trp; replaces cysteine 64 with tryptophan.
Molecular consequence: missense variant.
Genome position (GRCh38, 1-based): chr17:43,106,476, A>C on the plus strand (T>G on the coding strand, the complement: BRCA1 is on the minus strand). VCF-style: chr17-43106476-A-C. GRCh37 (hg19) VCF-style: chr17-41258493-A-C.
Other names: c.51T>G, p.Cys17Trp (NM_001407692.1, NM_001407694.1, NM_001407695.1 and 99 more transcripts); c.192T>G, p.Cys64Trp (NM_001407854.1, NM_001407858.1, NM_001407859.1 and 168 more transcripts); short protein forms C64W, C17W.
Identifiers: ClinVar variation 224427 (VCV000224427.16), dbSNP rs587781632, ClinGen allele CA10575955.